The following is an entry in ClinVar:

NM_032620.4(GTPBP3):c.975-254T>C

Gene: GTPBP3 (GTP binding protein 3, mitochondrial; plus strand). Cytogenetic location: 19p13.11.
Variant type: single nucleotide variant.
Coding change: c.975-254T>C on transcript NM_032620.4 (MANE Select); 254 bases into the intron before coding-DNA position 975, T replaced by C.
Molecular consequence: intron variant.
Genome position (GRCh38, 1-based): chr19:17,340,790, T>C. VCF-style: chr19-17340790-T-C. GRCh37 (hg19) VCF-style: chr19-17451599-T-C.
Other names: c.1041-254T>C (NM_001195422.1); c.1071-254T>C (NM_133644.4); c.975-317T>C (NM_001128855.3).
Identifiers: ClinVar variation 672549 (VCV000672549.1), dbSNP rs57873509, ClinGen allele CA14637505.
Genomic context (GRCh38, chr19:17,340,790, plus strand): 5'-CGCCCCTCCTGCCCTGCCCTACTCACTGCACTGTGCCCAGCCCCTCCTGCTCTGCCCCGC[T>C]CCCGCACCGTGACCGCTCCTCTTGCTCTGCCCTTCCCCCTGCACTGTGCCCCGCCCCTCT-3'

ClinVar aggregate classification (germline): Benign (1 of 4 stars; one submission).

Allele frequency attached by ClinVar (database versions not stated): gnomAD 0.40015 and 0.40237.
gnomAD v4.1: 46,149 of 114,326 alleles (40%); highest among the groups gnomAD compares: Middle Eastern, 56%; 7,798 homozygotes.

Submission:

GeneDx
Classification: Benign. Last evaluated: 2018-06-14. Review status: criteria provided, single submitter. Criteria: GeneDx Variant Classification (06012015). Collection method: clinical testing. Allele origin: germline. Affected: yes.
Comment: This variant is considered likely benign or benign based on one or more of the following criteria: it is a conservative change, it occurs at a poorly conserved position in the protein, it is predicted to be benign by multiple in silico algorithms, and/or has population frequency not consistent with disease.